The following is an entry in ClinVar:

ClinVar aggregate classification (germline): Uncertain significance (1 of 4 stars; one submission).

Submission:

Ambry Genetics
Classification: Uncertain significance. Last evaluated: 2023-03-03. Review status: criteria provided, single submitter. Criteria: Ambry Variant Classification Scheme 2023. Collection method: clinical testing. Allele origin: germline.
Comment: The p.R1293S variant (also known as c.3879G>T), located in coding exon 17 of the NPAT gene, results from a G to T substitution at nucleotide position 3879. The arginine at codon 1293 is replaced by serine, an amino acid with dissimilar properties. This amino acid position is conserved. In addition, this alteration is predicted to be tolerated by in silico analysis. Since supporting evidence is limited at this time, the clinical significance of this alteration remains unclear.

NM_002519.3(NPAT):c.3879G>T (p.Arg1293Ser)

Gene: NPAT (nuclear protein, coactivator of histone transcription; minus strand). Cytogenetic location: 11q22.3.
Variant type: single nucleotide variant.
Coding change: c.3879G>T on transcript NM_002519.3 (MANE Select); coding-DNA position 3879, G replaced by T.
Protein change: p.Arg1293Ser; replaces arginine 1293 with serine.
Molecular consequence: missense variant.
Genome position (GRCh38, 1-based): chr11:108,161,207, C>A on the plus strand (G>T on the coding strand, the complement: NPAT is on the minus strand). VCF-style: chr11-108161207-C-A. GRCh37 (hg19) VCF-style: chr11-108031934-C-A.
Other names: c.3900G>T, p.Arg1300Ser (NM_001321307.1); short protein forms R1293S, R1300S.
Identifiers: ClinVar variation 2453811 (VCV002453811.2), dbSNP rs2496694252, ClinGen allele CA382509849.